The following is an entry in ClinVar:

NM_001145026.2(PTPRQ):c.2360A>G (p.Asn787Ser)

Gene: PTPRQ (protein tyrosine phosphatase receptor type Q; plus strand). Cytogenetic location: 12q21.31.
Variant type: single nucleotide variant.
Coding change: c.2360A>G on transcript NM_001145026.2 (MANE Select); coding-DNA position 2360, A replaced by G.
Protein change: p.Asn787Ser; replaces asparagine 787 with serine.
Molecular consequence: missense variant.
Genome position (GRCh38, 1-based): chr12:80,506,111, A>G. VCF-style: chr12-80506111-A-G. GRCh37 (hg19) VCF-style: chr12-80899890-A-G.
Other names: short protein forms N787S.
Identifiers: ClinVar variation 3901649 (VCV003901649.1).

ClinVar aggregate classification (germline): Uncertain significance (1 of 4 stars; one submission).

gnomAD v4.1: 7 of 1,542,674 alleles (0.00045%); highest among the groups gnomAD compares: Non-Finnish European, 0.00035%; no homozygotes.

Submission:

GeneDx
Classification: Uncertain significance. Last evaluated: 2024-12-09. Review status: criteria provided, single submitter. Criteria: GeneDx Variant Classification Process June 2021. Collection method: clinical testing. Allele origin: germline. Affected: yes.
Comment: Not observed at significant frequency in large population cohorts (gnomAD); In silico analysis supports that this missense variant has a deleterious effect on protein structure/function; Has not been previously published as pathogenic or benign to our knowledge